The following is an entry in ClinVar:

ClinVar aggregate classification (germline): Uncertain significance. Review status: criteria provided, multiple submitters, no conflicts (2 of 4 stars). 3 submissions from 3 submitters: Uncertain significance (3). Last evaluated 2026-03-31.

Conditions:
Hereditary cancer-predisposing syndrome. Also called: Neoplastic Syndromes, Hereditary; Tumor predisposition; Hereditary Cancer Syndrome; Hereditary neoplastic syndrome. Identifiers: Orphanet 140162, MedGen C0027672, MeSH D009386, MONDO:0015356.
Neuroblastoma, susceptibility to, 3. Also called: ALK-Related Neuroblastic Tumor Susceptibility. Identifiers: Orphanet 635, MedGen C2751681, MONDO:0013083, OMIM 613014.

Allele frequency attached by ClinVar (database versions not stated): TOPMed below 0.00001; gnomAD 0.00001.
gnomAD v4.1: 2 of 1,613,962 alleles (0.00012%); highest among the groups gnomAD compares: Non-Finnish European, 0.000085%; no homozygotes.

Submissions (3):

Ambry Genetics
Classification: Uncertain significance for Hereditary cancer-predisposing syndrome. Last evaluated: 2026-03-31. Review status: criteria provided, single submitter. Criteria: Ambry Variant Classification Scheme 2023. Collection method: clinical testing. Allele origin: germline.
Comment: The p.G1473E variant (also known as c.4418G>A), located in coding exon 29 of the ALK gene, results from a G to A substitution at nucleotide position 4418. The glycine at codon 1473 is replaced by glutamic acid, an amino acid with similar properties. This amino acid position is well conserved in available vertebrate species. In addition, the in silico prediction for this alteration is inconclusive. Based on the available evidence, the clinical significance of this variant remains unclear.

Blueprint Genetics
Classification: Uncertain significance. Last evaluated: 2024-05-30. Review status: criteria provided, single submitter. Criteria: ACMG Guidelines, 2015. Collection method: clinical testing. Allele origin: germline.

Labcorp Genetics (formerly Invitae), Labcorp
Classification: Uncertain significance for Neuroblastoma, susceptibility to, 3. Last evaluated: 2021-12-25. Review status: criteria provided, single submitter. Criteria: Invitae Variant Classification Sherloc (09022015). Collection method: clinical testing. Allele origin: germline.
Comment: This sequence change replaces glycine, which is neutral and non-polar, with glutamic acid, which is acidic and polar, at codon 1473 of the ALK protein (p.Gly1473Glu). This variant is not present in population databases (gnomAD no frequency). This variant has not been reported in the literature in individuals affected with ALK-related conditions. ClinVar contains an entry for this variant (Variation ID: 538273). Algorithms developed to predict the effect of missense changes on protein structure and function (SIFT, PolyPhen-2, Align-GVGD) all suggest that this variant is likely to be tolerated. In summary, the available evidence is currently insufficient to determine the role of this variant in disease. Therefore, it has been classified as a Variant of Uncertain Significance.

NM_004304.5(ALK):c.4418G>A (p.Gly1473Glu)

Gene: ALK (ALK receptor tyrosine kinase; minus strand). Cytogenetic location: 2p23.2.
Variant type: single nucleotide variant.
Coding change: c.4418G>A on transcript NM_004304.5 (MANE Select); coding-DNA position 4418, G replaced by A.
Protein change: p.Gly1473Glu; replaces glycine 1473 with glutamic acid.
Molecular consequence: missense variant.
Genome position (GRCh38, 1-based): chr2:29,193,669, C>T on the plus strand (G>A on the coding strand, the complement: ALK is on the minus strand). VCF-style: chr2-29193669-C-T. GRCh37 (hg19) VCF-style: chr2-29416535-C-T.
Other names: c.1214G>A, p.Gly405Glu (NM_001353765.2); short protein forms G1473E, G405E.
Identifiers: ClinVar variation 538273 (VCV000538273.12), dbSNP rs1174344092, ClinGen allele CA346462165.